The following is an entry in ClinVar:

ClinVar aggregate classification (germline): Uncertain significance (1 of 4 stars; one submission).

Conditions:
Hereditary pancreatitis (PCTT). Also called: Hereditary chronic pancreatitis; PRSS1-Related Hereditary Pancreatitis. Identifiers: Orphanet 676, MedGen C0238339, MONDO:0008185, OMIM 167800.

Submission:

Ambry Genetics
Classification: Uncertain significance for Hereditary pancreatitis. Last evaluated: 2024-08-25. Review status: criteria provided, single submitter. Criteria: Ambry Variant Classification Scheme 2023. Collection method: clinical testing. Allele origin: germline.
Comment: The p.V6L variant (also known as c.16G>C), located in coding exon 1 of the CPA1 gene, results from a G to C substitution at nucleotide position 16. The valine at codon 6 is replaced by leucine, an amino acid with highly similar properties. This amino acid position is conserved. In addition, this alteration is predicted to be tolerated by in silico analysis. Based on the available evidence, the clinical significance of this variant remains unclear.

NM_001868.4(CPA1):c.16G>C (p.Val6Leu)

Gene: CPA1 (carboxypeptidase A1; plus strand). Cytogenetic location: 7q32.2.
Variant type: single nucleotide variant.
Coding change: c.16G>C on transcript NM_001868.4 (MANE Select); coding-DNA position 16, G replaced by C.
Protein change: p.Val6Leu; replaces valine 6 with leucine.
Molecular consequence: missense variant.
Genome position (GRCh38, 1-based): chr7:130,380,536, G>C. VCF-style: chr7-130380536-G-C. GRCh37 (hg19) VCF-style: chr7-130020377-G-C.
Other names: short protein forms V6L.
Identifiers: ClinVar variation 3496198 (VCV003496198.1).
Genomic context (GRCh38, chr7:130,380,536, plus strand): 5'-GGGGGCCGTCTCGACCTCAGTCTGACCTTCCCTCCCGGCAGCAGCATGCGGGGGTTGCTG[G>C]TGTTGAGTGTCCTGTTGGGGGCTGTCTTTGGCAAGGAGGACTTTGTGGGGTAGGGATGTG-3'
Protein context (NP_001859.1, residues 1-16): MRGLL[Val6Leu]LSVLLGAVFG